The following is an entry in ClinVar:

ClinVar aggregate classification (germline): Uncertain significance (1 of 4 stars; one submission).

Conditions:
Inborn genetic diseases. Identifiers: MedGen C0950123, MeSH D030342.

Allele frequency attached by ClinVar (database versions not stated): gnomAD exomes below 0.00001.
gnomAD v4.1: 1 of 1,613,716 alleles (0.000062%); highest among the groups gnomAD compares: Non-Finnish European, 0.000085%; no homozygotes.

Submission:

Ambry Genetics
Classification: Uncertain significance for Inborn genetic diseases. Last evaluated: 2019-10-25. Review status: criteria provided, single submitter. Criteria: Ambry Variant Classification Scheme 2023. Collection method: clinical testing. Allele origin: germline.
Comment: The p.L2743I variant (also known as c.8227C>A), located in coding exon 53 of the DST gene, results from a C to A substitution at nucleotide position 8227. The leucine at codon 2743 is replaced by isoleucine, an amino acid with highly similar properties. This amino acid position is highly conserved in available vertebrate species. In addition, this alteration is predicted to be tolerated by in silico analysis. Since supporting evidence is limited at this time, the clinical significance of this alteration remains unclear.

NM_001374736.1(DST):c.14584C>A (p.Leu4862Ile)

Gene: DST (dystonin; minus strand). Cytogenetic location: 6p12.1.
Variant type: single nucleotide variant.
Coding change: c.14584C>A on transcript NM_001374736.1 (MANE Select); coding-DNA position 14584, C replaced by A.
Protein change: p.Leu4862Ile; replaces leucine 4862 with isoleucine.
Molecular consequence: missense variant.
Genome position (GRCh38, 1-based): chr6:56,557,375, G>T on the plus strand (C>A on the coding strand, the complement: DST is on the minus strand). VCF-style: chr6-56557375-G-T. GRCh37 (hg19) VCF-style: chr6-56422173-G-T.
Other names: c.8227C>A, p.Leu2743Ile (NM_001144769.5); c.7813C>A, p.Leu2605Ile (NM_001144770.2); c.14584C>A, p.Leu4862Ile (NM_001374722.1); c.13951C>A, p.Leu4651Ile (NM_001374729.1); c.7693C>A, p.Leu2565Ile (NM_001374730.1, NM_001386100.1, NM_183380.4); c.14611C>A, p.Leu4871Ile (NM_001374734.1); c.6715C>A, p.Leu2239Ile (NM_015548.5); short protein forms L4862I, L2565I, L2743I, L4651I, L2239I, L2605I, L4871I.
Identifiers: ClinVar variation 1762527 (VCV001762527.2), dbSNP rs2535428434, ClinGen allele CA364521000.